The following is an entry in ClinVar:

NM_006757.4(TNNT3):c.218C>A (p.Ala73Asp)

Gene: TNNT3 (troponin T3, fast skeletal type; plus strand). Cytogenetic location: 11p15.5.
Variant type: single nucleotide variant.
Coding change: c.218C>A on transcript NM_006757.4 (MANE Select); coding-DNA position 218, C replaced by A.
Protein change: p.Ala73Asp; replaces alanine 73 with aspartic acid.
Molecular consequence: missense variant.
Genome position (GRCh38, 1-based): chr11:1,933,767, C>A. VCF-style: chr11-1933767-C-A. GRCh37 (hg19) VCF-style: chr11-1954997-C-A.
Other names: c.194C>A, p.Ala65Asp (NM_001042780.3, NM_001042782.3, NM_001297646.2 and 2 more transcripts); c.212C>A, p.Ala71Asp (NM_001042781.3, NM_001367842.1, NM_001367843.1); c.227C>A, p.Ala76Asp (NM_001363561.2, NM_001367847.1); c.251C>A, p.Ala84Asp (NM_001367846.1); c.215C>A, p.Ala72Asp (NM_001367848.1); c.206C>A, p.Ala69Asp (NM_001367849.1); c.161C>A, p.Ala54Asp (NM_001367850.1); c.14C>A, p.Ala5Asp (NM_001367851.1, NM_001367852.1); short protein forms A5D, A76D, A71D, A72D, A69D, A73D, A84D, A54D.
Identifiers: ClinVar variation 2029427 (VCV002029427.4), dbSNP rs2494780384, ClinGen allele CA379096545.

ClinVar aggregate classification (germline): Uncertain significance (1 of 4 stars; one submission).

Submission:

Labcorp Genetics (formerly Invitae), Labcorp
Classification: Uncertain significance. Last evaluated: 2022-09-07. Review status: criteria provided, single submitter. Criteria: Invitae Variant Classification Sherloc (09022015). Collection method: clinical testing. Allele origin: germline.
Comment: This sequence change replaces alanine, which is neutral and non-polar, with aspartic acid, which is acidic and polar, at codon 73 of the TNNT3 protein (p.Ala73Asp). In summary, the available evidence is currently insufficient to determine the role of this variant in disease. Therefore, it has been classified as a Variant of Uncertain Significance. Algorithms developed to predict the effect of missense changes on protein structure and function are either unavailable or do not agree on the potential impact of this missense change (SIFT: "Deleterious"; PolyPhen-2: "Possibly Damaging"; Align-GVGD: "Class C0"). This variant has not been reported in the literature in individuals affected with TNNT3-related conditions. This variant is not present in population databases (gnomAD no frequency).